The following is an entry in ClinVar:

NM_001171613.2(PREPL):c.124C>T (p.Arg42Cys)

Gene: PREPL (prolyl endopeptidase like; minus strand). Cytogenetic location: 2p21.
Variant type: single nucleotide variant.
Coding change: c.124C>T on transcript NM_001171613.2 (MANE Select); coding-DNA position 124, C replaced by T.
Protein change: p.Arg42Cys; replaces arginine 42 with cysteine.
Molecular consequence: missense variant.
Genome position (GRCh38, 1-based): chr2:44,344,538, G>A on the plus strand (C>T on the coding strand, the complement: PREPL is on the minus strand). VCF-style: chr2-44344538-G-A. GRCh37 (hg19) VCF-style: chr2-44571677-G-A.
Other names: c.391C>T, p.Arg131Cys (NM_001042385.2, NM_001042386.2, NM_001171603.1 and 4 more transcripts); c.124C>T, p.Arg42Cys (NM_001171617.1, NM_001374277.1); short protein forms R131C, R42C.
Identifiers: ClinVar variation 1003974 (VCV001003974.6), dbSNP rs367690689, ClinGen allele CA1641618.

ClinVar aggregate classification (germline): Uncertain significance (1 of 4 stars; one submission).

Conditions:
Myasthenic syndrome, congenital, 22 (CMS22). Also called: PREPL DEFICIENCY. Identifiers: MedGen C4479088, MONDO:0044299, OMIM 616224.

Allele frequency attached by ClinVar (database versions not stated): ESP Exome Variant Server 0.00031; TOPMed 0.00001; gnomAD exomes 0.00002; gnomAD 0.00001; ExAC 0.00002.
gnomAD v4.1: 37 of 1,600,444 alleles (0.0023%); highest among the groups gnomAD compares: Middle Eastern, 0.017%; no homozygotes.

Submission:

Labcorp Genetics (formerly Invitae), Labcorp
Classification: Uncertain significance for Myasthenic syndrome, congenital, 22. Last evaluated: 2022-08-16. Review status: criteria provided, single submitter. Criteria: Invitae Variant Classification Sherloc (09022015). Collection method: clinical testing. Allele origin: germline.
Comment: This sequence change replaces arginine, which is basic and polar, with cysteine, which is neutral and slightly polar, at codon 131 of the PREPL protein (p.Arg131Cys). This variant is present in population databases (rs367690689, gnomAD 0.008%). This variant has not been reported in the literature in individuals affected with PREPL-related conditions. ClinVar contains an entry for this variant (Variation ID: 1003974). Algorithms developed to predict the effect of missense changes on protein structure and function (SIFT, PolyPhen-2, Align-GVGD) all suggest that this variant is likely to be tolerated. In summary, the available evidence is currently insufficient to determine the role of this variant in disease. Therefore, it has been classified as a Variant of Uncertain Significance.